The following is an entry in ClinVar:

ClinVar aggregate classification (germline): Uncertain significance. Review status: criteria provided, multiple submitters, no conflicts (2 of 4 stars). 3 submissions from 3 submitters: Uncertain significance (3). Last evaluated 2025-10-17.

Conditions:
Emery-Dreifuss muscular dystrophy 5, autosomal dominant (EDMD5). Also called: EMERY-DREIFUSS MUSCULAR DYSTROPHY 5. Identifiers: Orphanet 261, MedGen C2751805, MONDO:0013072, OMIM 612999.

gnomAD v4.1: 111 of 1,614,008 alleles (0.0069%); highest among the groups gnomAD compares: South Asian, 0.014%; no homozygotes.

Submissions (3):

Ambry Genetics
Classification: Uncertain significance. Last evaluated: 2025-10-17. Review status: criteria provided, single submitter. Criteria: Ambry Variant Classification Scheme 2023. Collection method: clinical testing. Allele origin: germline.

Labcorp Genetics (formerly Invitae), Labcorp
Classification: Uncertain significance for Emery-Dreifuss muscular dystrophy 5, autosomal dominant. Last evaluated: 2025-07-07. Review status: criteria provided, single submitter. Criteria: Invitae Variant Classification Sherloc (09022015). Collection method: clinical testing. Allele origin: germline.
Comment: This sequence change replaces arginine, which is basic and polar, with glycine, which is neutral and non-polar, at codon 6780 of the SYNE2 protein (p.Arg6780Gly). This variant is present in population databases (rs138437515, gnomAD 0.02%). This variant has not been reported in the literature in individuals affected with SYNE2-related conditions. ClinVar contains an entry for this variant (Variation ID: 646412). An algorithm developed to predict the effect of missense changes on protein structure and function (PolyPhen-2) suggests that this variant is likely to be disruptive. In summary, the available evidence is currently insufficient to determine the role of this variant in disease. Therefore, it has been classified as a Variant of Uncertain Significance.

CeGaT Center for Human Genetics Tuebingen
Classification: Uncertain significance. Last evaluated: 2019-04-01. Review status: criteria provided, single submitter. Criteria: CeGaT Center For Human Genetics Tuebingen Variant Classification Criteria Version 2. Collection method: clinical testing. Allele origin: germline. Affected: yes. Observed: 1 variant allele.

NM_182914.3(SYNE2):c.20338C>G (p.Arg6780Gly)

Gene: SYNE2 (spectrin repeat containing nuclear envelope protein 2; plus strand). Cytogenetic location: 14q23.2.
Variant type: single nucleotide variant.
Coding change: c.20338C>G on transcript NM_182914.3 (MANE Select); coding-DNA position 20338, C replaced by G.
Protein change: p.Arg6780Gly; replaces arginine 6780 with glycine.
Molecular consequence: missense variant.
Genome position (GRCh38, 1-based): chr14:64,223,336, C>G. VCF-style: chr14-64223336-C-G. GRCh37 (hg19) VCF-style: chr14-64690054-C-G.
Other names: c.20269C>G, p.Arg6757Gly (NM_015180.6); c.904C>G, p.Arg302Gly (NM_182910.2); c.1282C>G, p.Arg428Gly (NM_182913.4); short protein forms R302G, R428G, R6757G, R6780G.
Identifiers: ClinVar variation 646412 (VCV000646412.51), dbSNP rs138437515, ClinGen allele CA7224808.